The following is an entry in ClinVar:

ClinVar aggregate classification (germline): Uncertain significance. Review status: criteria provided, multiple submitters, no conflicts (2 of 4 stars). 2 submissions from 2 submitters: Uncertain significance (2). Last evaluated 2024-01-27.

Conditions:
Intellectual developmental disorder, X-linked 1. Also called: Atkin Flaitz Patil Smith syndrome; MENTAL RETARDATION, X-LINKED 18; MENTAL RETARDATION, X-LINKED 78; Intellectual disability, X-linked 1. Identifiers: Orphanet 777, MedGen C2931498, MONDO:0010656, OMIM 309530.

Allele frequency attached by ClinVar (database versions not stated): gnomAD 0.00001.

Submissions (2):

Labcorp Genetics (formerly Invitae), Labcorp
Classification: Uncertain significance for Intellectual developmental disorder, X-linked 1. Last evaluated: 2024-01-27. Review status: criteria provided, single submitter. Criteria: Invitae Variant Classification Sherloc (09022015). Collection method: clinical testing. Allele origin: germline.
Comment: This sequence change replaces glycine, which is neutral and non-polar, with glutamic acid, which is acidic and polar, at codon 429 of the IQSEC2 protein (p.Gly429Glu). This variant is present in population databases (no rsID available, gnomAD 0.01%). This variant has not been reported in the literature in individuals affected with IQSEC2-related conditions. ClinVar contains an entry for this variant (Variation ID: 955285). Advanced modeling of protein sequence and biophysical properties (such as structural, functional, and spatial information, amino acid conservation, physicochemical variation, residue mobility, and thermodynamic stability) performed at Invitae indicates that this missense variant is not expected to disrupt IQSEC2 protein function with a negative predictive value of 95%. In summary, the available evidence is currently insufficient to determine the role of this variant in disease. Therefore, it has been classified as a Variant of Uncertain Significance.

CeGaT Center for Human Genetics Tuebingen
Classification: Uncertain significance. Last evaluated: 2023-03-01. Review status: criteria provided, single submitter. Criteria: CeGaT Center For Human Genetics Tuebingen Variant Classification Criteria Version 2. Collection method: clinical testing. Allele origin: germline. Affected: yes. Observed: 2 variant alleles.
Comment: IQSEC2: PM2:Supporting, PP2

NM_001111125.3(IQSEC2):c.1286G>A (p.Gly429Glu)

Gene: IQSEC2 (IQ motif and Sec7 domain ArfGEF 2; minus strand). Cytogenetic location: Xp11.22.
Variant type: single nucleotide variant.
Coding change: c.1286G>A on transcript NM_001111125.3 (MANE Select); coding-DNA position 1286, G replaced by A.
Protein change: p.Gly429Glu; replaces glycine 429 with glutamic acid.
Molecular consequence: missense variant.
Genome position (GRCh38, 1-based): chrX:53,254,645, C>T on the plus strand (G>A on the coding strand, the complement: IQSEC2 is on the minus strand). VCF-style: chrX-53254645-C-T. GRCh37 (hg19) VCF-style: chrX-53283827-C-T.
Other names: c.671G>A, p.Gly224Glu (NM_015075.2); short protein forms G224E, G429E.
Identifiers: ClinVar variation 955285 (VCV000955285.37), dbSNP rs936261583, ClinGen allele CA329167166.